The following is an entry in ClinVar:

NM_001127392.3(MYRF):c.789C>G (p.Pro263=)

Gene: MYRF (myelin regulatory factor; plus strand). Cytogenetic location: 11q12.2.
Variant type: single nucleotide variant.
Coding change: c.789C>G on transcript NM_001127392.3 (MANE Select); coding-DNA position 789, C replaced by G.
Protein change: p.Pro263=; no amino-acid change (proline 263 retained).
Molecular consequence: synonymous variant.
Genome position (GRCh38, 1-based): chr11:61,771,548, C>G. VCF-style: chr11-61771548-C-G. GRCh37 (hg19) VCF-style: chr11-61539020-C-G.
Other names: c.762C>G, p.Pro254= (NM_013279.4).
Identifiers: ClinVar variation 1233291 (VCV001233291.6), dbSNP rs149803, ClinGen allele CA6037659.
Genomic context (GRCh38, chr11:61,771,548, plus strand): 5'-CTGTTTCCCCAGGCTCCCTACACACCCCTCCAAGAAGAGGAAGCACTCTGAATCCCCCCC[C>G]AGCACCCTCAATGCCCAGATGCTGAATGGAATGATCAAACAGGAGCCTGGGACCGTGACA-3'
Protein context (NP_001120864.1, residues 253-273): SKKRKHSESP[Pro263=]STLNAQMLNG

ClinVar aggregate classification (germline): Benign. Review status: criteria provided, multiple submitters, no conflicts (2 of 4 stars). 3 submissions from 3 submitters: Benign (2). 1 of the submissions does not count toward it. Last evaluated 2019-06-10.

Conditions:
MYRF-related disorder. Also called: MYRF-related condition; MYRF-related disorders.

Allele frequency attached by ClinVar (database versions not stated): 1000 Genomes Project 0.09125; 1000 Genomes Project 30x 0.09322; TOPMed 0.17398; gnomAD exomes 0.18303; ExAC 0.18492; ESP Exome Variant Server 0.19897.
gnomAD v4.1: 358,693 of 1,613,810 alleles (22%); highest among the groups gnomAD compares: Middle Eastern, 34%; 45,266 homozygotes.

Submissions (3):

GeneDx
Classification: Benign. Last evaluated: 2019-06-10. Review status: criteria provided, single submitter. Criteria: GeneDx Variant Classification Process June 2021. Collection method: clinical testing. Allele origin: germline. Affected: yes.

Breakthrough Genomics
Classification: Benign. Review status: criteria provided, single submitter. Criteria: ACMG Guidelines, 2015. Collection method: not provided. Allele origin: germline. Inheritance: Autosomal dominant inheritance. Affected: yes.

PreventionGenetics, part of Exact Sciences
Classification: Benign for MYRF-related condition. Last evaluated: 2022-08-09. Review status: no assertion criteria provided. Collection method: clinical testing. Allele origin: germline. Not counted in ClinVar's aggregate classification.
Comment: This variant is classified as benign based on ACMG/AMP sequence variant interpretation guidelines (Richards et al. 2015 PMID: 25741868, with internal and published modifications).